The following is an entry in ClinVar:

NM_000455.5(STK11):c.630C>A (p.Cys210Ter)

Gene: STK11 (serine/threonine kinase 11; plus strand). Cytogenetic location: 19p13.3.
Variant type: single nucleotide variant.
Coding change: c.630C>A on transcript NM_000455.5 (MANE Select); coding-DNA position 630, C replaced by A.
Protein change: p.Cys210Ter; replaces cysteine 210 with a stop codon.
Molecular consequence: nonsense.
Genome position (GRCh38, 1-based): chr19:1,220,613, C>A. VCF-style: chr19-1220613-C-A. GRCh37 (hg19) VCF-style: chr19-1220612-C-A.
Other names: short protein forms C210*.
Identifiers: ClinVar variation 421017 (VCV000421017.13), dbSNP rs786201213, ClinGen allele CA16620750.

ClinVar aggregate classification (germline): Pathogenic/Likely pathogenic. Review status: criteria provided, multiple submitters, no conflicts (2 of 4 stars). 4 submissions from 4 submitters: Pathogenic (3); Likely pathogenic (1). Last evaluated 2022-01-08.

Conditions:
Hereditary cancer-predisposing syndrome. Also called: Hereditary neoplastic syndrome; Hereditary Cancer Syndrome; Neoplastic Syndromes, Hereditary; Tumor predisposition. Identifiers: Orphanet 140162, MedGen C0027672, MeSH D009386, MONDO:0015356.
Peutz-Jeghers syndrome (PJS). Also called: Peutz-Jeghers polyposis; Periorificial lentiginosis syndrome; POLYPOSIS, HAMARTOMATOUS INTESTINAL; POLYPS-AND-SPOTS SYNDROME. Identifiers: Orphanet 2869, MedGen C0031269, MeSH D010580, MONDO:0008280, OMIM 175200.

Submissions (4):

Labcorp Genetics (formerly Invitae), Labcorp
Classification: Pathogenic for Peutz-Jeghers syndrome. Last evaluated: 2022-01-08. Review status: criteria provided, single submitter. Criteria: Invitae Variant Classification Sherloc (09022015). Collection method: clinical testing. Allele origin: germline.
Comment: For these reasons, this variant has been classified as Pathogenic. ClinVar contains an entry for this variant (Variation ID: 421017). This premature translational stop signal has been observed in individual(s) with exocrine pancreatic neoplasm (PMID: 29506128). This variant is not present in population databases (gnomAD no frequency). This sequence change creates a premature translational stop signal (p.Cys210*) in the STK11 gene. It is expected to result in an absent or disrupted protein product. Loss-of-function variants in STK11 are known to be pathogenic (PMID: 15188174, 16287113).

Genome-Nilou Lab
Classification: Pathogenic for Peutz-Jeghers syndrome. Last evaluated: 2021-07-15. Review status: criteria provided, single submitter. Criteria: ACMG Guidelines, 2015. Collection method: clinical testing. Allele origin: germline. Affected: no.

Ambry Genetics
Classification: Pathogenic for Hereditary cancer-predisposing syndrome. Last evaluated: 2020-03-20. Review status: criteria provided, single submitter. Criteria: Ambry Variant Classification Scheme 2023. Collection method: clinical testing. Allele origin: germline.
Comment: The p.C210* pathogenic mutation (also known as c.630C>A), located in coding exon 5 of the STK11 gene, results from a C to A substitution at nucleotide position 630. This changes the amino acid from a cysteine to a stop codon within coding exon 5. This pathogenic variant has been reported in the germline of one individual diagnosed with an exocrine pancreatic tumor (Lowery MA et al. J. Natl. Cancer Inst. 2018 10;110:1067-1074). In addition to the clinical data presented in the literature, this alteration is expected to result in loss of function by premature protein truncation or nonsense-mediated mRNA decay. As such, this alteration is interpreted as a disease-causing mutation.

GeneDx
Classification: Likely pathogenic. Last evaluated: 2016-08-17. Review status: criteria provided, single submitter. Criteria: GeneDx Variant Classification (06012015). Collection method: clinical testing. Allele origin: germline. Affected: yes.
Comment: This variant is denoted STK11 c.630C>A at the cDNA level and p.Cys210Ter (C210X) at the protein level. The substitution creates a nonsense variant, which changes a Cysteine to a premature stop codon (TGC>TGA), and is predicted to cause loss of normal protein function through either protein truncation or nonsense-mediated mRNA decay. This variant has not, to our knowledge, been published in the literature as either a pathogenic germline variant or a benign polymorphism. However, it has been reported as a somatic variant in lung adenocarcinoma (Sanchez-Cespedes 2002, Sanchez-Cespedes 2007). Based on the currently available evidence, we consider STK11 Cys210Ter to be a likely pathogenic variant.

Literature cited by the submitters: PubMed 29506128 (cited by Labcorp Genetics (formerly Invitae), Labcorp and Ambry Genetics); PubMed 15188174 (cited by Labcorp Genetics (formerly Invitae), Labcorp); PubMed 16287113 (cited by Labcorp Genetics (formerly Invitae), Labcorp).